The following is an entry in ClinVar:

ClinVar aggregate classification (germline): Likely benign (1 of 4 stars; one submission).

Allele frequency attached by ClinVar (database versions not stated): TOPMed 0.00017; ESP Exome Variant Server 0.00023; gnomAD 0.00035; gnomAD exomes 0.00047; 1000 Genomes Project 0.00180; ExAC 0.00105; 1000 Genomes Project 30x 0.00172.

Submission:

CeGaT Center for Human Genetics Tuebingen
Classification: Likely benign. Last evaluated: 2022-11-01. Review status: criteria provided, single submitter. Criteria: CeGaT Center For Human Genetics Tuebingen Variant Classification Criteria Version 2. Collection method: clinical testing. Allele origin: germline. Affected: yes. Observed: 1 variant allele.
Comment: MKNK1: BP4, BS2

NM_001135553.4(MKNK1):c.199-7C>T

Gene: MKNK1 (MAPK interacting serine/threonine kinase 1; minus strand). Cytogenetic location: 1p33.
Variant type: single nucleotide variant.
Coding change: c.199-7C>T on transcript NM_001135553.4 (MANE Select); 7 bases into the intron before coding-DNA position 199, C replaced by T.
Molecular consequence: intron variant.
Genome position (GRCh38, 1-based): chr1:46,576,661, G>A on the plus strand (C>T on the coding strand, the complement: MKNK1 is on the minus strand). VCF-style: chr1-46576661-G-A. GRCh37 (hg19) VCF-style: chr1-47042333-G-A.
Other names: c.217-7C>T (NM_001377342.1, NM_001377338.1, NM_001377341.1 and 1 more transcripts); c.199-7C>T (NM_001377375.1, NM_198973.5, NM_001377373.1 and 2 more transcripts); c.70-7C>T (NM_001377343.1).
Identifiers: ClinVar variation 2638802 (VCV002638802.24), dbSNP rs201815050, ClinGen allele CA837384.